The following is an entry in ClinVar:

NM_000521.4(HEXB):c.299+4A>G

Gene: HEXB (hexosaminidase subunit beta; plus strand). Cytogenetic location: 5q13.3.
Variant type: single nucleotide variant.
Coding change: c.299+4A>G on transcript NM_000521.4 (MANE Select); 4 bases into the intron after coding-DNA position 299, A replaced by G.
Molecular consequence: intron variant.
Genome position (GRCh38, 1-based): chr5:74,685,563, A>G. VCF-style: chr5-74685563-A-G. GRCh37 (hg19) VCF-style: chr5-73981388-A-G.
Other names: c.-376-3765A>G (NM_001292004.2).
Identifiers: ClinVar variation 4856019 (VCV004856019.1).
Genomic context (GRCh38, chr5:74,685,563, plus strand): 5'-CAGCCCCAATTCCACGGCGGGCCCCTCCTGCACCCTGCTGGAGGAAGCGTTTCGACGGTG[A>G]GCGCTCCCGGCCCGGCCGGGAGTTGTCCTGGGGGAGGGGAGAGGCGGACCACCCCGGAGC-3'

ClinVar aggregate classification (germline): Uncertain significance (1 of 4 stars; one submission).

Conditions:
Sandhoff disease. Also called: GM2-GANGLIOSIDOSIS, TYPE II; HEXOSAMINIDASES A AND B DEFICIENCY; Beta-hexosaminidase-beta-subunit deficiency; GM2 gangliosidosis, type 2; Total hexosaminidase deficiency; Sandhoff-Jatzkewitz-Pilz disease. Identifiers: Orphanet 796, MedGen C0036161, MONDO:0010006, OMIM 268800.

Submission:

3billion
Classification: Uncertain significance for Sandhoff disease. Last evaluated: 2026-01-29. Review status: criteria provided, single submitter. Criteria: ACMG Guidelines, 2015. Collection method: clinical testing. Allele origin: germline. Affected: yes.
Comment: The variant is not observed in the gnomAD v4.1.0 dataset. Predicted Consequence/Location: Intron variant In silico tools predict the variant to alter splicing and produce an abnormal transcript [SpliceAI: 0.35 (>=0.2, moderate evidence for spliceogenicity)]. Therefore, this variant is classified as VUS according to the recommendation of ACMG/AMP guideline.